The following is an entry in ClinVar:

ClinVar aggregate classification (germline): Uncertain significance. Review status: criteria provided, multiple submitters, no conflicts (2 of 4 stars). 4 submissions from 4 submitters: Uncertain significance (4). Last evaluated 2024-11-29.

Conditions:
Cardiovascular phenotype. Identifiers: MedGen CN230736.
Distal myopathy with posterior leg and anterior hand involvement. Also called: WILLIAMS DISTAL MYOPATHY. Identifiers: Orphanet 63273, MedGen C3279722, MONDO:0013550, OMIM 614065.
Dilated Cardiomyopathy, Dominant.
Myofibrillar myopathy 5. Also called: Filaminopathy (type); FILAMINOPATHY, AUTOSOMAL DOMINANT. Identifiers: Orphanet 171445, MedGen C1836050, MONDO:0012289, OMIM 609524.
Hypertrophic cardiomyopathy 26. Also called: Cardiomyopathy, familial hypertrophic, 26. Identifiers: Orphanet 75249, MedGen C4310749, MONDO:0014883, OMIM 617047.

Allele frequency attached by ClinVar (database versions not stated): gnomAD 0.00001; TOPMed 0.00001; gnomAD exomes 0.00002; ExAC 0.00003; 1000 Genomes Project 30x 0.00016; 1000 Genomes Project 0.00020.
gnomAD v4.1: 14 of 1,613,888 alleles (0.00087%); highest among the groups gnomAD compares: South Asian, 0.0044%; no homozygotes.

Submissions (4):

Women's Health and Genetics/Laboratory Corporation of America, LabCorp
Classification: Uncertain significance. Last evaluated: 2024-11-29. Review status: criteria provided, single submitter. Criteria: LabCorp Variant Classification Summary - May 2015. Collection method: clinical testing. Allele origin: germline.
Comment: Variant summary: FLNC c.7732G>A (p.Gly2578Ser) results in a non-conservative amino acid change located in the Filamin/ABP280 repeat profile (IPR017868) of the encoded protein sequence. Three of five in-silico tools predict a damaging effect of the variant on protein function. The variant allele was found at a frequency of 2e-05 in 248792 control chromosomes. The available data on variant occurrences in the general population are insufficient to allow any conclusion about variant significance. To our knowledge, no occurrence of c.7732G>A in individuals affected with Cardiomyopathy and no experimental evidence demonstrating its impact on protein function have been reported. ClinVar contains an entry for this variant (Variation ID: 472180). Based on the evidence outlined above, the variant was classified as uncertain significance.

Ambry Genetics
Classification: Uncertain significance for Cardiovascular phenotype. Last evaluated: 2022-09-19. Review status: criteria provided, single submitter. Criteria: Ambry Variant Classification Scheme 2023. Collection method: clinical testing. Allele origin: germline.
Comment: The p.G2578S variant (also known as c.7732G>A), located in coding exon 46 of the FLNC gene, results from a G to A substitution at nucleotide position 7732. The glycine at codon 2578 is replaced by serine, an amino acid with similar properties. This amino acid position is conserved. In addition, the in silico prediction for this alteration is inconclusive. Since supporting evidence is limited at this time, the clinical significance of this alteration remains unclear.

Labcorp Genetics (formerly Invitae), Labcorp
Classification: Uncertain significance for Distal myopathy with posterior leg and anterior hand involvement; Myofibrillar myopathy 5; Hypertrophic cardiomyopathy 26. Last evaluated: 2022-03-18. Review status: criteria provided, single submitter. Criteria: Invitae Variant Classification Sherloc (09022015). Collection method: clinical testing. Allele origin: germline.
Comment: In summary, the available evidence is currently insufficient to determine the role of this variant in disease. Therefore, it has been classified as a Variant of Uncertain Significance. Algorithms developed to predict the effect of missense changes on protein structure and function are either unavailable or do not agree on the potential impact of this missense change (SIFT: "Tolerated"; PolyPhen-2: "Probably Damaging"; Align-GVGD: "Class C0"). ClinVar contains an entry for this variant (Variation ID: 472180). This variant has not been reported in the literature in individuals affected with FLNC-related conditions. This variant is present in population databases (rs566747845, gnomAD 0.02%). This sequence change replaces glycine, which is neutral and non-polar, with serine, which is neutral and polar, at codon 2578 of the FLNC protein (p.Gly2578Ser).

Revvity Omics, Revvity
Classification: Uncertain significance. Last evaluated: 2021-07-06. Review status: criteria provided, single submitter. Criteria: ACMG Guidelines, 2015. Collection method: clinical testing. Allele origin: germline.

NM_001458.5(FLNC):c.7732G>A (p.Gly2578Ser)

Genes: FLNC-AS1 (FLNC antisense RNA 1; minus strand), FLNC (filamin C; plus strand). Cytogenetic location: 7q32.1.
Variant type: single nucleotide variant.
Coding change: c.7732G>A on transcript NM_001458.5 (MANE Select); coding-DNA position 7732, G replaced by A.
Protein change: p.Gly2578Ser; replaces glycine 2578 with serine.
Molecular consequence: missense variant.
Genome position (GRCh38, 1-based): chr7:128,857,288, G>A. VCF-style: chr7-128857288-G-A. GRCh37 (hg19) VCF-style: chr7-128497342-G-A.
Other names: c.7633G>A, p.Gly2545Ser (NM_001127487.2); short protein forms G2578S, G2545S.
Identifiers: ClinVar variation 472180 (VCV000472180.11), dbSNP rs566747845, ClinGen allele CA4476342.